The following is an entry in ClinVar:

ClinVar aggregate classification (germline): Conflicting classifications of pathogenicity. Review status: criteria provided, conflicting classifications (1 of 4 stars). 3 submissions from 3 submitters: Uncertain significance (2); Likely benign (1). Last evaluated 2025-10-17.

Conditions:
Ischemic stroke. Also called: Ischemic stroke, susceptibility to; CEREBROVASCULAR ACCIDENT. Identifiers: MedGen C0948008, MONDO:1060198, OMIM 601367, HP:0002140.
Budd-Chiari syndrome (BDCHS). Also called: Hepatic vein obstruction. Identifiers: Orphanet 131, MedGen C0856761, MONDO:0010947, OMIM 600880, HP:0002639.
Pregnancy loss, recurrent, susceptibility to, 1 (RPRGL1). Also called: EMBRYONIC LOSS, RECURRENT; MISCARRIAGE, RECURRENT; STILLBIRTH, RECURRENT; FETAL LOSS, RECURRENT, SUSCEPTIBILITY TO. Identifiers: MedGen C3280670, MONDO:0013727, OMIM 614389.
Thrombophilia due to activated protein C resistance (THPH2). Also called: Hereditary Resistance to Activated Protein C; PCCF DEFICIENCY; PROC COFACTOR DEFICIENCY; THROMBOPHILIA DUE TO DEFICIENCY OF ACTIVATED PROTEIN C COFACTOR; THROMBOPHILIA V; Activated protein C resistance. Identifiers: MedGen C1861171, MONDO:0008560, OMIM 188055. Disease mechanism: gain of function, loss of function.
Congenital factor V deficiency. Also called: Hereditary factor V deficiency disease; LABILE FACTOR DEFICIENCY; OWREN PARAHEMOPHILIA; PARAHEMOPHILIA. Identifiers: Orphanet 326, MedGen C0015499, MONDO:0009210, OMIM 227400.
Inborn genetic diseases. Identifiers: MedGen C0950123, MeSH D030342.

Allele frequency attached by ClinVar (database versions not stated): ExAC 0.00012; gnomAD 0.00014 and 0.00015; gnomAD exomes 0.00014; TOPMed 0.00016.
gnomAD v4.1: 306 of 1,613,976 alleles (0.019%); highest among the groups gnomAD compares: Non-Finnish European, 0.024%; no homozygotes.

Submissions (3):

Labcorp Genetics (formerly Invitae), Labcorp
Classification: Likely benign for Congenital factor V deficiency. Last evaluated: 2025-10-17. Review status: criteria provided, single submitter. Criteria: Invitae Variant Classification Sherloc (09022015). Collection method: clinical testing. Allele origin: germline.

Ambry Genetics
Classification: Uncertain significance for Inborn genetic diseases. Last evaluated: 2025-05-27. Review status: criteria provided, single submitter. Criteria: Ambry Variant Classification Scheme 2023. Collection method: clinical testing. Allele origin: germline.
Comment: The p.N1074S variant (also known as c.3221A>G), located in coding exon 13 of the F5 gene, results from an A to G substitution at nucleotide position 3221. The asparagine at codon 1074 is replaced by serine, an amino acid with highly similar properties. This amino acid position is conserved. In addition, this alteration is predicted to be tolerated by in silico analysis. Since supporting evidence is limited at this time, the clinical significance of this alteration remains unclear.

Department of Pathology and Laboratory Medicine, Sinai Health System
Classification: Uncertain significance for Thrombophilia due to activated protein C resistance; Congenital factor V deficiency; Budd-Chiari syndrome; Ischemic stroke; Pregnancy loss, recurrent, susceptibility to, 1. Last evaluated: 2021-10-26. Review status: criteria provided, single submitter. Criteria: ACMG Guidelines, 2015. Collection method: research. Allele origin: germline.

NM_000130.5(F5):c.3221A>G (p.Asn1074Ser)

Gene: F5 (coagulation factor V; minus strand). Cytogenetic location: 1q24.2.
Variant type: single nucleotide variant.
Coding change: c.3221A>G on transcript NM_000130.5 (MANE Select); coding-DNA position 3221, A replaced by G.
Protein change: p.Asn1074Ser; replaces asparagine 1074 with serine.
Molecular consequence: missense variant.
Genome position (GRCh38, 1-based): chr1:169,541,869, T>C on the plus strand (A>G on the coding strand, the complement: F5 is on the minus strand). VCF-style: chr1-169541869-T-C. GRCh37 (hg19) VCF-style: chr1-169511107-T-C.
Other names: short protein forms N1074S.
Identifiers: ClinVar variation 870845 (VCV000870845.22), dbSNP rs200269019, ClinGen allele CA1233948.